The following is an entry in ClinVar:

ClinVar aggregate classification (germline): Conflicting classifications of pathogenicity. Review status: criteria provided, conflicting classifications (1 of 4 stars). 2 submissions from 2 submitters: Uncertain significance (1); Likely benign (1). Last evaluated 2026-05-01.

Conditions:
BBIP1-related disorder. Also called: BBIP1-related condition.

Submissions (2):

PreventionGenetics, part of Exact Sciences
Classification: Uncertain significance for BBIP1-related condition. Last evaluated: 2026-05-01. Review status: criteria provided, single submitter. Criteria: ACMG Guidelines, 2015. Collection method: clinical testing. Allele origin: germline.
Comment: The BBIP1 c.101C>T variant is predicted to result in the amino acid substitution p.Thr34Met. To our knowledge, this variant has not been reported in the literature. This variant corresponds to a deep intronic position in an alternate transcript for this gene (NM_001195305: c.38-6161C>T). This variant is reported in 0.016% of alleles in individuals of African descent in gnomAD. At this time, the clinical significance of this variant is uncertain due to the absence of conclusive functional and genetic evidence.

Blueprint Genetics
Classification: Likely benign. Last evaluated: 2024-10-01. Review status: criteria provided, single submitter. Criteria: ACMG Guidelines, 2015. Collection method: clinical testing. Allele origin: germline.

NM_001195305.3(BBIP1):c.38-6161C>T

Gene: BBIP1 (BBSome interacting protein 1; minus strand). Cytogenetic location: 10q25.2.
Variant type: single nucleotide variant.
Coding change: c.38-6161C>T on transcript NM_001195305.3 (MANE Select); 6161 bases into the intron before coding-DNA position 38, C replaced by T.
Molecular consequence: intron variant. On other transcripts: missense variant (1).
Genome position (GRCh38, 1-based): chr10:110,907,773, G>A on the plus strand (C>T on the coding strand, the complement: BBIP1 is on the minus strand). VCF-style: chr10-110907773-G-A. GRCh37 (hg19) VCF-style: chr10-112667531-G-A.
Other names: c.101C>T, p.Thr34Met (NM_001195304.2); c.38-6161C>T (NM_001195306.2); c.-29-6161C>T (NM_001243783.3); c.38-7247C>T (NM_001195307.2); short protein forms T34M.
Identifiers: ClinVar variation 3350663 (VCV003350663.3).